The following is an entry in ClinVar:

ClinVar aggregate classification (germline): Uncertain significance. Review status: criteria provided, multiple submitters, no conflicts (2 of 4 stars). 2 submissions from 2 submitters: Uncertain significance (2). Last evaluated 2025-11-12.

Conditions:
Inborn genetic diseases. Identifiers: MedGen C0950123, MeSH D030342.

Allele frequency attached by ClinVar (database versions not stated): gnomAD exomes below 0.00001 and 0.00001.
gnomAD v4.1: 10 of 1,613,120 alleles (0.00062%); highest among the groups gnomAD compares: Non-Finnish European, 0.00076%; no homozygotes.

Submissions (2):

Ambry Genetics
Classification: Uncertain significance for Inborn genetic diseases. Last evaluated: 2025-11-12. Review status: criteria provided, single submitter. Criteria: Ambry Variant Classification Scheme 2023. Collection method: clinical testing. Allele origin: germline.
Comment: The c.1109C>A (p.T370N) alteration is located in exon 5 (coding exon 5) of the GRM6 gene. This alteration results from a C to A substitution at nucleotide position 1109, causing the threonine (T) at amino acid position 370 to be replaced by an asparagine (N). Based on data from gnomAD, the A allele has an overall frequency of <0.001% (1/251484) total alleles studied. The highest observed frequency was 0.001% (1/113760) of European (non-Finnish) alleles. Based on insufficient or conflicting evidence, the clinical significance of this alteration remains unclear.

Labcorp Genetics (formerly Invitae), Labcorp
Classification: Uncertain significance. Last evaluated: 2019-10-03. Review status: criteria provided, single submitter. Criteria: Invitae Variant Classification Sherloc (09022015). Collection method: clinical testing. Allele origin: germline.
Comment: This variant has not been reported in the literature in individuals with GRM6-related conditions. This variant is not present in population databases (ExAC no frequency). This sequence change replaces threonine with asparagine at codon 370 of the GRM6 protein (p.Thr370Asn). The threonine residue is highly conserved and there is a small physicochemical difference between threonine and asparagine. In summary, the available evidence is currently insufficient to determine the role of this variant in disease. Therefore, it has been classified as a Variant of Uncertain Significance. Algorithms developed to predict the effect of missense changes on protein structure and function are either unavailable or do not agree on the potential impact of this missense change (SIFT: "Deleterious"; PolyPhen-2: "Benign"; Align-GVGD: "Class C0").

NM_000843.4(GRM6):c.1109C>A (p.Thr370Asn)

Genes: GRM6 (glutamate metabotropic receptor 6; minus strand), ZNF454 (zinc finger protein 454; plus strand). Cytogenetic location: 5q35.3.
Variant type: single nucleotide variant.
Coding change: c.1109C>A on transcript NM_000843.4 (MANE Select); coding-DNA position 1109, C replaced by A.
Protein change: p.Thr370Asn; replaces threonine 370 with asparagine.
Molecular consequence: missense variant.
Genome position (GRCh38, 1-based): chr5:178,989,309, G>T on the plus strand (C>A on the coding strand, the complement: GRM6 is on the minus strand). VCF-style: chr5-178989309-G-T. GRCh37 (hg19) VCF-style: chr5-178416310-G-T.
Other names: short protein forms T370N.
Identifiers: ClinVar variation 964169 (VCV000964169.12), dbSNP rs941477002, ClinGen allele CA133027947.